The following is an entry in ClinVar:

NM_022450.5(RHBDF1):c.27G>A (p.Thr9=)

Gene: RHBDF1 (rhomboid 5 homolog 1; minus strand). Cytogenetic location: 16p13.3.
Variant type: single nucleotide variant.
Coding change: c.27G>A on transcript NM_022450.5 (MANE Select); coding-DNA position 27, G replaced by A.
Protein change: p.Thr9=; no amino-acid change (threonine 9 retained).
Molecular consequence: synonymous variant.
Genome position (GRCh38, 1-based): chr16:64,989, C>T on the plus strand (G>A on the coding strand, the complement: RHBDF1 is on the minus strand). VCF-style: chr16-64989-C-T. GRCh37 (hg19) VCF-style: chr16-114987-C-T.
Identifiers: ClinVar variation 745876 (VCV000745876.13), dbSNP rs373464227, ClinGen allele CA7768786.

ClinVar aggregate classification (germline): Likely benign. Review status: criteria provided, multiple submitters, no conflicts (2 of 4 stars). 2 submissions from 2 submitters: Likely benign (2). Last evaluated 2025-06-01.

Allele frequency attached by ClinVar (database versions not stated): gnomAD 0.00002 and 0.00007; TOPMed 0.00003; ESP Exome Variant Server 0.00008; 1000 Genomes Project 30x 0.00016; 1000 Genomes Project 0.00020; ExAC 0.00026; gnomAD exomes 0.00035.
gnomAD v4.1: 358 of 1,534,128 alleles (0.023%); highest among the groups gnomAD compares: South Asian, 0.39%; 10 homozygotes.

Submissions (2):

CeGaT Center for Human Genetics Tuebingen
Classification: Likely benign. Last evaluated: 2025-06-01. Review status: criteria provided, single submitter. Criteria: CeGaT Center For Human Genetics Tuebingen Variant Classification Criteria Version 2. Collection method: clinical testing. Allele origin: germline. Affected: yes. Observed: 1 variant allele.
Comment: RHBDF1: BP4, BP7

Labcorp Genetics (formerly Invitae), Labcorp
Classification: Likely benign. Last evaluated: 2018-06-01. Review status: criteria provided, single submitter. Criteria: Invitae Variant Classification Sherloc (09022015). Collection method: clinical testing. Allele origin: germline.